The following is an entry in ClinVar:

ClinVar aggregate classification (germline): Likely benign. Review status: criteria provided, multiple submitters, no conflicts (2 of 4 stars). 4 submissions from 4 submitters: Likely benign (4). Last evaluated 2025-10-20.

Conditions:
Familial thoracic aortic aneurysm and aortic dissection (TAAD). Also called: Thoracic aortic aneurysms and dissections. Identifiers: Orphanet 91387, MedGen C4707243, MONDO:0019625.
Ehlers-Danlos syndrome, type 4 (EDSVASC). Also called: Ehlers-Danlos syndrome vascular type; Ehlers Danlos syndrome, ecchymotic type; Ehlers Danlos syndrome, arterial type; Ehlers Danlos syndrome, Sack-Barabas type; Ehlers-Danlos Syndrome Type IV. Identifiers: Orphanet 286, MedGen C0268338, MONDO:0017314, OMIM 130050.

Allele frequency attached by ClinVar (database versions not stated): ExAC 0.00001; gnomAD 0.00001; gnomAD exomes 0.00001; TOPMed 0.00002; ESP Exome Variant Server 0.00008.
gnomAD v4.1: 4 of 1,613,826 alleles (0.00025%); highest among the groups gnomAD compares: East Asian, 0.0045%; no homozygotes.

Submissions (4):

Labcorp Genetics (formerly Invitae), Labcorp
Classification: Likely benign for Ehlers-Danlos syndrome, type 4. Last evaluated: 2025-10-20. Review status: criteria provided, single submitter. Criteria: Invitae Variant Classification Sherloc (09022015). Collection method: clinical testing. Allele origin: germline.

All of Us Research Program, National Institutes of Health
Classification: Likely benign for Ehlers-Danlos syndrome, type 4. Last evaluated: 2023-11-02. Review status: criteria provided, single submitter. Criteria: ACMG Guidelines, 2015. Collection method: clinical testing. Allele origin: germline. Inheritance: Autosomal dominant inheritance. Observed: 4 variant alleles, 4 heterozygotes.
Comment: This study involves interpretation of variants in research participants for the purpose of population health screening. Participant phenotype was not available at the time of variant classification. Additional details can be found in publication PMID: 35346344, PMCID: PMC8962531

Ambry Genetics
Classification: Likely benign for Familial thoracic aortic aneurysm and aortic dissection. Last evaluated: 2022-10-14. Review status: criteria provided, single submitter. Criteria: Ambry Variant Classification Scheme 2023. Collection method: clinical testing. Allele origin: germline.

Color Diagnostics, LLC DBA Color Health
Classification: Likely benign for Familial thoracic aortic aneurysm and aortic dissection. Last evaluated: 2019-09-17. Review status: criteria provided, single submitter. Criteria: ACMG Guidelines, 2015. Collection method: clinical testing. Allele origin: germline.

NM_000090.4(COL3A1):c.945G>A (p.Gly315=)

Gene: COL3A1 (collagen type III alpha 1 chain; plus strand). Cytogenetic location: 2q32.2.
Variant type: single nucleotide variant.
Coding change: c.945G>A on transcript NM_000090.4 (MANE Select); coding-DNA position 945, G replaced by A.
Protein change: p.Gly315=; no amino-acid change (glycine 315 retained).
Molecular consequence: synonymous variant.
Genome position (GRCh38, 1-based): chr2:188,991,716, G>A. VCF-style: chr2-188991716-G-A. GRCh37 (hg19) VCF-style: chr2-189856442-G-A.
Identifiers: ClinVar variation 700467 (VCV000700467.14), dbSNP rs372206736, ClinGen allele CA077091.
Genomic context (GRCh38, chr2:188,991,716, plus strand): 5'-TTTTACTCTGTAGGGTCCAAGAGGGGCTCCTGGTGAGCGAGGACGGCCAGGACTTCCTGG[G>A]GCTGCAGTGAGTATAGCTGCTAACATCACACAATTACAACCCAAAGTGACAGATTTTTAC-3'
Protein context (NP_000081.2, residues 305-325): PGERGRPGLP[Gly315=]AAGARGNDGA